The following is an entry in ClinVar:

NM_001321981.2(ZNF530):c.760A>C (p.Arg254=)

Gene: ZNF530 (zinc finger protein 530; plus strand). Cytogenetic location: 19q13.43.
Variant type: single nucleotide variant.
Coding change: c.760A>C on transcript NM_001321981.2 (MANE Select); coding-DNA position 760, A replaced by C.
Protein change: p.Arg254=; no amino-acid change (arginine 254 retained).
Molecular consequence: synonymous variant. On other transcripts: non-coding transcript variant (1).
Genome position (GRCh38, 1-based): chr19:57,606,384, A>C. VCF-style: chr19-57606384-A-C. GRCh37 (hg19) VCF-style: chr19-58117752-A-C.
Other names: c.760A>C, p.Arg254= (NM_001387561.1); c.856A>C, p.Arg286= (NM_001387562.1); c.859A>C, p.Arg287= (NM_001387563.1, NM_020880.5).
Identifiers: ClinVar variation 3025080 (VCV003025080.22), dbSNP rs1211716386, ClinGen allele CA508968315.

ClinVar aggregate classification (germline): Likely benign (1 of 4 stars; one submission).

Submission:

CeGaT Center for Human Genetics Tuebingen
Classification: Likely benign. Last evaluated: 2024-01-01. Review status: criteria provided, single submitter. Criteria: CeGaT Center For Human Genetics Tuebingen Variant Classification Criteria Version 2. Collection method: clinical testing. Allele origin: germline. Affected: yes. Observed: 1 variant allele.
Comment: ZNF530: PM2:Supporting, BP4, BP7